The following is an entry in ClinVar:

NM_003721.4(RFXANK):c.485C>T (p.Ser162Leu)

Gene: RFXANK (regulatory factor X associated ankyrin containing protein; plus strand). Cytogenetic location: 19p13.11.
Variant type: single nucleotide variant.
Coding change: c.485C>T on transcript NM_003721.4 (MANE Select); coding-DNA position 485, C replaced by T.
Protein change: p.Ser162Leu; replaces serine 162 with leucine.
Molecular consequence: missense variant.
Genome position (GRCh38, 1-based): chr19:19,198,153, C>T. VCF-style: chr19-19198153-C-T. GRCh37 (hg19) VCF-style: chr19-19308962-C-T.
Other names: c.419C>T, p.Ser140Leu (NM_001278727.2, NM_001370234.1); c.416C>T, p.Ser139Leu (NM_001278728.2, NM_134440.3); c.485C>T, p.Ser162Leu (NM_001370233.1, NM_001370238.1); c.482C>T, p.Ser161Leu (NM_001370235.1, NM_001370236.1, NM_001370237.1); c.485C>T (NM_003721.2); short protein forms S139L, S140L, S161L, S162L.
Identifiers: ClinVar variation 1374389 (VCV001374389.6), dbSNP rs753776724, ClinGen allele CA9322782.
Genomic context (GRCh38, chr19:19,198,153, plus strand): 5'-TCTTCTCCCTGCAGGGTGCCGACCCCCACATCCTGGCAAAAGAGCGAGAGAGCGCCCTGT[C>T]GCTGGCCAGCACAGGCGGCTACACAGACATTGTGGGGCTGCTGCTGGAGCGTGACGTGGA-3'
Protein context (NP_003712.1, residues 152-172): ILAKERESAL[Ser162Leu]LASTGGYTDI

ClinVar aggregate classification (germline): Uncertain significance. Review status: criteria provided, multiple submitters, no conflicts (2 of 4 stars). 2 submissions from 2 submitters: Uncertain significance (2). Last evaluated 2025-06-11.

Conditions:
Inborn genetic diseases. Identifiers: MedGen C0950123, MeSH D030342.
MHC class II deficiency. Also called: BLS, TYPE II; Bare lymphocyte syndrome 2. Identifiers: Orphanet 572, MedGen C5447452, MONDO:0008855.

Allele frequency attached by ClinVar (database versions not stated): gnomAD exomes below 0.00001 and 0.00001; ExAC 0.00001.
gnomAD v4.1: 12 of 1,614,116 alleles (0.00074%); highest among the groups gnomAD compares: Non-Finnish European, 0.00093%; no homozygotes.

Submissions (2):

Ambry Genetics
Classification: Uncertain significance for Inborn genetic diseases. Last evaluated: 2025-06-11. Review status: criteria provided, single submitter. Criteria: Ambry Variant Classification Scheme 2023. Collection method: clinical testing. Allele origin: germline.

Labcorp Genetics (formerly Invitae), Labcorp
Classification: Uncertain significance for MHC class II deficiency. Last evaluated: 2021-08-28. Review status: criteria provided, single submitter. Criteria: Invitae Variant Classification Sherloc (09022015). Collection method: clinical testing. Allele origin: germline.
Comment: This sequence change replaces serine with leucine at codon 162 of the RFXANK protein (p.Ser162Leu). The serine residue is moderately conserved and there is a large physicochemical difference between serine and leucine. This variant is present in population databases (rs753776724, ExAC 0.002%). This variant has not been reported in the literature in individuals affected with RFXANK-related conditions. Algorithms developed to predict the effect of missense changes on protein structure and function are either unavailable or do not agree on the potential impact of this missense change (SIFT: "Tolerated"; PolyPhen-2: "Possibly Damaging"; Align-GVGD: "Class C0"). In summary, the available evidence is currently insufficient to determine the role of this variant in disease. Therefore, it has been classified as a Variant of Uncertain Significance.